The following is an entry in ClinVar:

ClinVar aggregate classification (germline): Uncertain significance (1 of 4 stars; one submission).

Submission:

GeneDx
Classification: Uncertain significance. Last evaluated: 2017-05-02. Review status: criteria provided, single submitter. Criteria: GeneDx Variant Classification (06012015). Collection method: clinical testing. Allele origin: germline. Affected: yes.
Comment: The K804N variant in the ATP2B3 gene has not been reported previously as a pathogenic variant, nor as a benign variant, to our knowledge. This variant is not observed in large population cohorts (Lek et al., 2016; 1000 Genomes Consortium et al., 2015; Exome Variant Server). The K804N variant is a semi-conservative amino acid substitution, which may impact secondary protein structure as these residues differ in some properties. This substitution occurs at a position that is conserved across species, and in silico analysis predicts this variant is probably damaging to the protein structure/function. Based on currently available evidence, we interpret K804N as a variant of uncertain significance.

NM_001001344.3(ATP2B3):c.2412G>C (p.Lys804Asn)

Gene: ATP2B3 (ATPase plasma membrane Ca2+ transporting 3; plus strand). Cytogenetic location: Xq28.
Variant type: single nucleotide variant.
Coding change: c.2412G>C on transcript NM_001001344.3 (MANE Select); coding-DNA position 2412, G replaced by C.
Protein change: p.Lys804Asn; replaces lysine 804 with asparagine.
Molecular consequence: missense variant.
Genome position (GRCh38, 1-based): chrX:153,557,002, G>C. VCF-style: chrX-153557002-G-C. GRCh37 (hg19) VCF-style: chrX-152822460-G-C.
Other names: c.2412G>C, p.Lys804Asn (NM_001388360.1, NM_001388361.1, NM_001388362.1 and 1 more transcripts); short protein forms K804N.
Identifiers: ClinVar variation 429226 (VCV000429226.2), dbSNP rs1131691269, ClinGen allele CA415072865.
Genomic context (GRCh38, chrX:153,557,002, plus strand): 5'-GCAGCGGCAGGTGGTGGCTGTGACAGGGGATGGCACCAACGATGGGCCGGCCCTCAAGAA[G>C]GCGGACGTGGGCTTCGCCATGGTAAGCCACCTGGTGCCCGCCCAGCTCACCACGGCAGAT-3'
Protein context (NP_001001344.1, residues 794-814): DGTNDGPALK[Lys804Asn]ADVGFAMGIA